The following is an entry in ClinVar:

NM_000217.3(KCNA1):c.755A>T (p.Asn252Ile)

Gene: KCNA1 (potassium voltage-gated channel subfamily A member 1; plus strand). Cytogenetic location: 12p13.32.
Variant type: single nucleotide variant.
Coding change: c.755A>T on transcript NM_000217.3 (MANE Select); coding-DNA position 755, A replaced by T.
Protein change: p.Asn252Ile; replaces asparagine 252 with isoleucine.
Molecular consequence: missense variant.
Genome position (GRCh38, 1-based): chr12:4,912,133, A>T. VCF-style: chr12-4912133-A-T. GRCh37 (hg19) VCF-style: chr12-5021299-A-T.
Other names: short protein forms N252I.
Identifiers: ClinVar variation 1709426 (VCV001709426.2), dbSNP rs2497353076, ClinGen allele CA383455263.

ClinVar aggregate classification (germline): Uncertain significance (1 of 4 stars; one submission).

Conditions:
Episodic ataxia type 1 (EA1). Also called: ATAXIA, EPISODIC, WITH MYOKYMIA; Episodic ataxia/myokymia syndrome; MYOKYMIA WITH PERIODIC ATAXIA; PAROXYSMAL ATAXIA WITH NEUROMYOTONIA, HEREDITARY. Identifiers: Orphanet 37612, Orphanet 972, MedGen C1719788, MONDO:0008047, OMIM 160120.

Submission:

MGZ Medical Genetics Center
Classification: Uncertain significance for Episodic ataxia type 1. Last evaluated: 2022-04-29. Review status: criteria provided, single submitter. Criteria: ACMG Guidelines, 2015. Collection method: clinical testing. Allele origin: germline. Affected: yes. Observed: 1 variant allele.
Comment: ACMG criteria applied: PM2_SUP, PP3